The following is an entry in ClinVar:

ClinVar aggregate classification (germline): Uncertain significance (1 of 4 stars; one submission).

Conditions:
Epilepsy, progressive myoclonic, 1B. Also called: PME. Identifiers: Orphanet 308, MedGen C2676254, MONDO:0012904, OMIM 612437.

Allele frequency attached by ClinVar (database versions not stated): gnomAD exomes below 0.00001; ExAC 0.00001; gnomAD 0.00001; TOPMed 0.00001.
gnomAD v4.1: 4 of 1,613,990 alleles (0.00025%); highest among the groups gnomAD compares: African/African-American, 0.0013%; no homozygotes.

Submission:

Labcorp Genetics (formerly Invitae), Labcorp
Classification: Uncertain significance for Epilepsy, progressive myoclonic, 1B. Last evaluated: 2022-08-09. Review status: criteria provided, single submitter. Criteria: Invitae Variant Classification Sherloc (09022015). Collection method: clinical testing. Allele origin: germline.
Comment: In summary, the available evidence is currently insufficient to determine the role of this variant in disease. Therefore, it has been classified as a Variant of Uncertain Significance. Algorithms developed to predict the effect of missense changes on protein structure and function are either unavailable or do not agree on the potential impact of this missense change (SIFT: "Deleterious"; PolyPhen-2: "Possibly Damaging"; Align-GVGD: "Class C0"). This variant has not been reported in the literature in individuals affected with PRICKLE1-related conditions. The frequency data for this variant in the population databases is considered unreliable, as metrics indicate poor data quality at this position in the gnomAD database. This sequence change replaces threonine, which is neutral and polar, with asparagine, which is neutral and polar, at codon 370 of the PRICKLE1 protein (p.Thr370Asn).

NM_153026.3(PRICKLE1):c.1109C>A (p.Thr370Asn)

Genes: PRICKLE1 (prickle planar cell polarity protein 1; minus strand), LOC126861509 (BRD4-independent group 4 enhancer GRCh37_chr12:42858567-42859766; plus strand). Cytogenetic location: 12q12.
Variant type: single nucleotide variant.
Coding change: c.1109C>A on transcript NM_153026.3 (MANE Select); coding-DNA position 1109, C replaced by A.
Protein change: p.Thr370Asn; replaces threonine 370 with asparagine.
Molecular consequence: missense variant.
Genome position (GRCh38, 1-based): chr12:42,464,925, G>T on the plus strand (C>A on the coding strand, the complement: PRICKLE1 is on the minus strand). VCF-style: chr12-42464925-G-T. GRCh37 (hg19) VCF-style: chr12-42858727-G-T.
Other names: c.1109C>A, p.Thr370Asn (NM_001144881.2, NM_001144882.2, NM_001144883.2); short protein forms T370N.
Identifiers: ClinVar variation 1715942 (VCV001715942.6), dbSNP rs778286825, ClinGen allele CA6519794.